The following is an entry in ClinVar:

NM_001365951.3(KIF1B):c.5408+6A>C

Gene: KIF1B (kinesin family member 1B; plus strand). Cytogenetic location: 1p36.22.
Variant type: single nucleotide variant.
Coding change: c.5408+6A>C on transcript NM_001365951.3 (MANE Select); 6 bases into the intron after coding-DNA position 5408, A replaced by C.
Molecular consequence: intron variant.
Genome position (GRCh38, 1-based): chr1:10,375,379, A>C. VCF-style: chr1-10375379-A-C. GRCh37 (hg19) VCF-style: chr1-10435437-A-C.
Other names: c.5270+6A>C (NM_015074.3); c.5408+6A>C (NM_001365952.1).
Identifiers: ClinVar variation 1975755 (VCV001975755.5), dbSNP rs1353987092, ClinGen allele CA521139163.
Genomic context (GRCh38, chr1:10,375,379, plus strand): 5'-AAGACATGAACGACTGGTTGTATGCCTTCAACCCACTTCTAGCTGGCACAATACGGTAAG[A>C]AGTTTTGTTGTTGTTGTTGTTGTTTTTGAGACGGAGTCTCACTTTTTCTCCCTGAAGTGC-3'

ClinVar aggregate classification (germline): Uncertain significance (1 of 4 stars; one submission).

Conditions:
Charcot-Marie-Tooth disease type 2. Also called: Charcot-Marie-Tooth type 2. Identifiers: Orphanet 64746, MedGen C0270914, MONDO:0018993.

Submission:

Labcorp Genetics (formerly Invitae), Labcorp
Classification: Uncertain significance for Charcot-Marie-Tooth disease type 2. Last evaluated: 2022-09-23. Review status: criteria provided, single submitter. Criteria: Invitae Variant Classification Sherloc (09022015). Collection method: clinical testing. Allele origin: germline.
Comment: In summary, the available evidence is currently insufficient to determine the role of this variant in disease. Therefore, it has been classified as a Variant of Uncertain Significance. This sequence change falls in intron 46 of the KIF1B gene. It does not directly change the encoded amino acid sequence of the KIF1B protein. It affects a nucleotide within the consensus splice site. This variant is present in population databases (no rsID available, gnomAD 0.0009%). This variant has not been reported in the literature in individuals affected with KIF1B-related conditions. Variants that disrupt the consensus splice site are a relatively common cause of aberrant splicing (PMID: 17576681, 9536098). Algorithms developed to predict the effect of sequence changes on RNA splicing suggest that this variant is not likely to affect RNA splicing.

Literature cited by the submitters: PubMed 17576681; PubMed 9536098.